The following is an entry in ClinVar:

ClinVar aggregate classification (germline): Uncertain significance. Review status: criteria provided, single submitter (1 of 4 stars). 2 submissions from 2 submitters: Uncertain significance (1). 1 of the submissions does not count toward it. Last evaluated 2021-09-03.

Conditions:
Neurodevelopmental disorder with coarse facies and mild distal skeletal abnormalities. Also called: STOLERMAN NEURODEVELOPMENTAL SYNDROME. Identifiers: MedGen C5193134, MONDO:0032790, OMIM 618505.

Submissions (2):

New York Genome Center
Classification: Uncertain significance for Neurodevelopmental disorder with coarse facies and mild distal skeletal abnormalities. Last evaluated: 2021-09-03. Review status: criteria provided, single submitter. Criteria: NYGC Assertion Criteria 2020. Collection method: clinical testing. Allele origin: germline. Observed: 1 heterozygote. Study: CSER-NYCKidSeq.
Comment: The heterozygous c.4737+1G>A splice site variant identified in KDM6B has not been reported in affected individuals in the literature. The variant is absent from gnomAD(v3) database suggesting it is not a common benign variant in populations represented in that database. The variant affects the canonical splice donor site in intron 21 (the last intron of transcript NM_001080424.1) of the KDM6B gene. The variant is predicted to cause abnormal mRNA splicing, either subjecting the transcript tononsense-mediated mRNA decay or resulting in an abnormal protein product if the message is used for protein translation. If translated, the resultant protein product is expected to lack <10% of the protein at C-terminus (compared to the wild-type protein). Predicted loss-of-function variants downstream of c.4737+1G>A have not been reported in databases such as HGMD and ClinVar. Given the lack of compelling evidence for its pathogenicity, the heterozygous c.4737+1G>A splice site variant identified in KDM6B gene is reported as a Variant of Uncertain Significance.

Joint Genome Diagnostic Labs from Nijmegen and Maastricht, Radboudumc and MUMC+
Classification: Likely pathogenic for Neurodevelopmental disorder with coarse facies and mild distal skeletal abnormalities. Last evaluated: 2022-09-09. Review status: no assertion criteria provided. Collection method: research. Allele origin: de novo. Affected: yes. Not counted in ClinVar's aggregate classification.

NM_001348716.2(KDM6B):c.4737+1G>A

Gene: KDM6B (lysine demethylase 6B; plus strand). Cytogenetic location: 17p13.1.
Variant type: single nucleotide variant.
Coding change: c.4737+1G>A on transcript NM_001348716.2 (MANE Select); the canonical splice donor site of the intron after coding-DNA position 4737, G replaced by A.
Molecular consequence: splice donor variant.
Genome position (GRCh38, 1-based): chr17:7,853,127, G>A. VCF-style: chr17-7853127-G-A. GRCh37 (hg19) VCF-style: chr17-7756445-G-A.
Other names: c.4737+1G>A (NM_001080424.2).
Identifiers: ClinVar variation 1696618 (VCV001696618.26), dbSNP rs2151380267, ClinGen allele CA397928490.
Genomic context (GRCh38, chr17:7,853,127, plus strand): 5'-AAAATCGCTTACCAGGGCCGTGTCAAGGACGAGCCAGCCTACTACTGCAACGAGTGCGAT[G>A]TGAGTGGGCCGGCTCTGCTGCTCTCCCTGAGTGTCCACAGTGGCCCTCCCTCCCCCTGAC-3'